The following is an entry in ClinVar:

NM_001267550.2(TTN):c.29621_29624del (p.Glu9874fs)

Gene: TTN (titin; minus strand). Cytogenetic location: 2q31.2.
Variant type: Microsatellite.
Coding change: c.29621_29624del on transcript NM_001267550.2 (MANE Select); coding-DNA positions 29621 to 29624, 4 bases deleted (AGAG; older notation c.29621_29624delAGAG).
Protein change: p.Glu9874fs; shifts the reading frame from glutamic acid 9874.
Molecular consequence: frameshift variant. On other transcripts: intron variant (3).
Genome position (GRCh38, 1-based): chr2:178,704,947-178,704,950, CTCT deleted on the plus strand (AGAG on the coding strand, the reverse complement: TTN is on the minus strand); deleting any 4 consecutive bases within chr2:178,704,947-178,704,952 gives the same sequence; the c. name uses the placement nearest the transcript's 3' end. VCF-style (leftmost placement, unchanged base first): chr2-178704946-CCTCT-C. GRCh37 (hg19) VCF-style: chr2-179569673-CCTCT-C.
Other names: c.28670_28673del, p.Glu9557fs (NM_001256850.1); c.25889_25892del, p.Glu8630fs (NM_133378.4); c.13282+33132_13282+33135del (NM_003319.4); c.13858+33132_13858+33135del (NM_133437.4); c.13657+33132_13657+33135del (NM_133432.3); c.29621_29624del (NM_001267550.1); c.25889_25892delAGAG (NM_133378.4); short protein forms E8630fs, E9557fs, E9874fs.
Identifiers: ClinVar variation 635051 (VCV000635051.14), dbSNP rs777924443, ClinGen allele CA1999338.
Genomic context (GRCh38, chr2:178,704,946, plus strand): 5'-TGACAGTCTTTGCTGAATAAATGATACAAGTTCCTCAAATTCCTTTTCGTCCCTCTCTGA[CCTCT>C]CTATTTCCTCAATTTCCTGAGAAGAACAAAAATGATAGGCATTACAGATGAAACAAAATT-3'

ClinVar aggregate classification (germline): Pathogenic/Likely pathogenic. Review status: criteria provided, multiple submitters, no conflicts (2 of 4 stars). 8 submissions from 8 submitters: Pathogenic (3); Likely pathogenic (5). Last evaluated 2026-04-09.

Conditions:
Autosomal recessive limb-girdle muscular dystrophy type 2J (LGMDR10). Also called: Limb-girdle muscular dystrophy, type 2J; MUSCULAR DYSTROPHY, LIMB-GIRDLE, AUTOSOMAL RECESSIVE 10. Identifiers: Orphanet 140922, MedGen C1837342, MONDO:0012127, OMIM 608807.
Autosomal recessive titinopathy. Identifiers: MedGen CN315649, MONDO:0100493.
Autosomal dominant and autosomal recessive TTN-related disorders.
Myocarditis. Identifiers: MedGen C0027059, MONDO:0004496, HP:0012819.
Primary dilated cardiomyopathy (DCM). Also called: Dilated Cardiomyopathy. Identifiers: Orphanet 217604, MedGen C0007193, MeSH D002311, MONDO:0005021, HP:0001644. Inheritance: Various modes of inheritance.
Restrictive cardiomyopathy. Identifiers: Orphanet 217632, MedGen C0007196, MeSH D002313, MONDO:0005201, HP:0001723.
Dilated cardiomyopathy 1G (CMD1G). Identifiers: Orphanet 154, MedGen C1858763, MONDO:0011400, OMIM 604145.

Submissions (8):

Petrovsky National Research Centre of Surgery, The Federal Agency for Scientific Organizations
Classification: Likely pathogenic for Restrictive cardiomyopathy. Last evaluated: 2026-04-09. Review status: criteria provided, single submitter. Criteria: ACMG Guidelines, 2015. Collection method: clinical testing. Allele origin: germline. Affected: yes. Observed: 1 variant allele.
Comment: The variant is in The Genome Aggregation Database (gnomAD) v4.1.0 with total 6.821e-06. (Date of access 2026-04-09). In accordance with ACMG (2015) criteria this variant is classified as Likely pathogenic with following criteria selected: PM2, PVS1.

Variantyx, Inc.
Classification: Likely pathogenic for Autosomal dominant and autosomal recessive TTN-related disorders. Last evaluated: 2025-12-29. Review status: criteria provided, single submitter. Criteria: Variantyx Assertion Criteria 2022. Collection method: clinical testing. Allele origin: germline. Inheritance: Autosomal recessive inheritance. Affected: no.
Comment: This is a frameshift variant in the TTN gene (OMIM: 188840). Pathogenic variants in this gene have been associated with autosomal recessive TTN-related disorders. This variant introduces a premature termination codon in exon 104 out of 363 and is expected to result in loss of function, which is a known disease mechanism for TTN in this disorder (PMID: 27869827, 33226272) (PVS1). This variant is located in the I-band region of titin (PSI 75%). It has a 0.0033% maximum allele frequency in non-founder control populations (PM2). Based on the current evidence, this variant is classified as likely pathogenic for autosomal recessive TTN-related disorders.No other variant of clinical significance was identified in the TTN gene.

GeneDx
Classification: Likely pathogenic. Last evaluated: 2025-03-10. Review status: criteria provided, single submitter. Criteria: GeneDx Variant Classification Process June 2021. Collection method: clinical testing. Allele origin: germline. Affected: yes.
Comment: Frameshift variant predicted to result in protein truncation or nonsense mediated decay in a region of a gene for which loss of function is not a well-established mechanism of disease; Reported in an individual with limb-girdle weakness; it is unknown if additional variants were identified and further clinical data were not provided (PMID: 32528171); Identified in a patient with biopsy-proved myocarditis with the presence of a DCM phenotype (PMID: 34213952); Not observed at significant frequency in large population cohorts (gnomAD); This variant is associated with the following publications: (PMID: 32778822, 35177841, 32528171, 30365001, 34213952, 31691645, 27625338, 27869827)

Women's Health and Genetics/Laboratory Corporation of America, LabCorp
Classification: Likely pathogenic for Autosomal recessive titinopathy. Last evaluated: 2024-09-30. Review status: criteria provided, single submitter. Criteria: LabCorp Variant Classification Summary - May 2015. Collection method: clinical testing. Allele origin: germline.
Comment: Variant summary: TTN c.25889_25892delAGAG (p.Glu8630Glyfs*28) in transcript NM_133378.4 (also reported as c.29621_29624delAGAG (p.Glu9874Glyfs*28) in NM_001267550.2), results in a premature termination codon, predicted to cause a truncation of the encoded protein or absence of the protein due to nonsense mediated decay, which are commonly known mechanisms for disease. Although heterozygous titin truncating variants (TTNtvs) are strongly associated with Dilated Cardiomyopathy (DCM) when they affect exons encoding for the A-band region (PMIDs: 22335739, 24503780) and/or exons constitutively expressed (i.e. proportion spliced in [PSI]>0.9) in the primary cardiac isoforms (PMIDs: 25589632, 34662387, 27869827, 39196186), however, the association of such loss of function variants with autosomal dominant TTN-related cardiomyopathies is less clear when located in exons with lower cardiac expression (i.e. PSI<0.9) as they are often reported in the control population and in unaffected individuals (PMIDs: 26701604, 22335739). On the other hand, biallelic titin variants (including TTNtvs) have been observed among individuals affected with a spectrum of skeletal myopathies, even when the variant was located in an exon with low expression in adult cardiac tissue (PMID: 32778822, 29691892, 33449170). This variant is located in the I-band region, in an exon with a PSI value of 0.75 in the cardiac tissue of adult DCM patients (PMID: 25589632). In a recent study (PMID: 39198997) the cardiac expression levels for this exon were reported with similarly low values (i.e. with PSI values of 0.688 and 0.488, in fetal- and postnatal cardiac muscle, respectively); however, the exon was expressed in fetal- and postnatal skeletal muscle with PSI values of 0.959 and 0.929, respectively. The variant allele was found at a frequency of 4e-06 in 248934 control chromosomes (gnomAD). The variant c.25889_25892delAGAG has also been reported in compound heterozygous state in at least 1 individual affected with autosomal recessive congenital myopathy with early diffuse contractures, who carried a pathogenic variant in trans (e.g. Avila-Polo_2018). In addition, the variant has been reported in heterozygous state in an individual with pediatric onset myocarditis with dilated cardiomyopathy (e.g. Seidel_2021), but it was also found in at least 5 controls in the UK Biobank cohort (e.g. Jurgens_2022, Choi_2020). The following publications have been ascertained in the context of this evaluation (PMID: 30365001, 31691645, 35177841, 34213952). ClinVar contains an entry for this variant (Variation ID: 635051). Based on the evidence outline above, the variant has been classified as Likely Pathogenic in the context of autosomal recessive titinopathies, however its impact on the risk of autosomal dominant TTN-related cardiomyopathies remains uncertain.

Labcorp Genetics (formerly Invitae), Labcorp
Classification: Pathogenic for Dilated cardiomyopathy 1G; Autosomal recessive limb-girdle muscular dystrophy type 2J. Last evaluated: 2024-07-08. Review status: criteria provided, single submitter. Criteria: Invitae Variant Classification Sherloc (09022015). Collection method: clinical testing. Allele origin: germline.
Comment: This sequence change creates a premature translational stop signal (p.Glu9874Glyfs*28) in the TTN gene. While this is not anticipated to result in nonsense mediated decay, it is expected to create a truncated TTN protein. This variant is present in population databases (rs777924443, gnomAD 0.007%). This premature translational stop signal has been observed in individual(s) with clinical features of autosomal recessive TTN-related conditions (PMID: 30365001, 32528171, 32778822). In at least one individual the data is consistent with being in trans (on the opposite chromosome) from a pathogenic variant. ClinVar contains an entry for this variant (Variation ID: 635051). This variant is located in the I band of TTN (PMID: 25589632). Truncating variants in this region have been reported in individuals affected with autosomal recessive centronuclear myopathy (PMID: 23975875, Invitae internal data). Truncating variants in this region have also been identified in individuals affected with autosomal dominant dilated cardiomyopathy and/or cardio-related conditions (PMID: 27869827, 32964742, Invitae internal data). For these reasons, this variant has been classified as Pathogenic.

3billion
Classification: Pathogenic for Autosomal recessive limb-girdle muscular dystrophy type 2J. Last evaluated: 2023-02-23. Review status: criteria provided, single submitter. Criteria: ACMG Guidelines, 2015. Collection method: clinical testing. Allele origin: unknown. Affected: yes.
Comment: The variant is observed at an extremely low frequency in the gnomAD v2.1.1 dataset (total allele frequency: <0.001%). This variant was predicted to result in a loss or disruption of normal protein function through nonsense-mediated decay (NMD) or protein truncation. Multiple pathogenic variants are reported downstream of the variant. The variant has been reported at least twice as pathogenic without evidence for the classification (ClinVar ID: VCV000635051). Therefore, this variant is classified as Pathogenic according to the recommendation of ACMG/AMP guideline.

Broad Center for Mendelian Genomics, Broad Institute of MIT and Harvard
Classification: Pathogenic for Autosomal recessive limb-girdle muscular dystrophy type 2J. Last evaluated: 2018-06-15. Review status: criteria provided, single submitter. Criteria: ACMG Guidelines, 2015. Collection method: research. Allele origin: germline. Inheritance: Autosomal recessive inheritance. Affected: yes.
Comment: This variant was absent from large population studies. Loss of function of the TTN gene is an established disease mechanism in autosomal recessive limb-girdle muscular dystrophy, and this is a loss of function variant. In summary, this variant is pathogenic.

Klaassen Lab, Charite University Medicine Berlin
Classification: Likely pathogenic for Myocarditis; Primary dilated cardiomyopathy. Review status: criteria provided, single submitter. Criteria: ACMG Guidelines, 2015. Collection method: research. Allele origin: germline. Affected: yes.

Literature cited by the submitters: PubMed 27869827 (cited by Variantyx, Inc. and Labcorp Genetics (formerly Invitae), Labcorp); PubMed 33226272 (cited by Variantyx, Inc.); PubMed 30365001 (cited by Labcorp Genetics (formerly Invitae), Labcorp); PubMed 32528171 (cited by Labcorp Genetics (formerly Invitae), Labcorp); PubMed 32778822 (cited by Labcorp Genetics (formerly Invitae), Labcorp); PubMed 25589632 (cited by Labcorp Genetics (formerly Invitae), Labcorp); PubMed 23975875 (cited by Labcorp Genetics (formerly Invitae), Labcorp); PubMed 32964742 (cited by Labcorp Genetics (formerly Invitae), Labcorp); PubMed 34213952 (cited by Klaassen Lab, Charite University Medicine Berlin).